The following is an entry in ClinVar:

ClinVar aggregate classification (germline): Uncertain significance (1 of 4 stars; one submission).

Allele frequency attached by ClinVar (database versions not stated): gnomAD exomes below 0.00001 and 0.00002; gnomAD 0.00003; TOPMed 0.00004; ExAC 0.00005.
gnomAD v4.1: 10 of 1,591,562 alleles (0.00063%); highest among the groups gnomAD compares: African/African-American, 0.0094%; no homozygotes.

Submission:

Labcorp Genetics (formerly Invitae), Labcorp
Classification: Uncertain significance. Last evaluated: 2022-06-05. Review status: criteria provided, single submitter. Criteria: Invitae Variant Classification Sherloc (09022015). Collection method: clinical testing. Allele origin: germline.
Comment: In summary, the available evidence is currently insufficient to determine the role of this variant in disease. Therefore, it has been classified as a Variant of Uncertain Significance. Algorithms developed to predict the effect of missense changes on protein structure and function (SIFT, PolyPhen-2, Align-GVGD) all suggest that this variant is likely to be tolerated. This sequence change replaces alanine, which is neutral and non-polar, with valine, which is neutral and non-polar, at codon 519 of the WDR1 protein (p.Ala519Val). The frequency data for this variant in the population databases is considered unreliable, as metrics indicate poor data quality at this position in the gnomAD database. This variant has not been reported in the literature in individuals affected with WDR1-related conditions. ClinVar contains an entry for this variant (Variation ID: 1358299).

NM_017491.5(WDR1):c.1556C>T (p.Ala519Val)

Gene: WDR1 (WD repeat domain 1; minus strand). Cytogenetic location: 4p16.1.
Variant type: single nucleotide variant.
Coding change: c.1556C>T on transcript NM_017491.5 (MANE Select); coding-DNA position 1556, C replaced by T.
Protein change: p.Ala519Val; replaces alanine 519 with valine.
Molecular consequence: missense variant.
Genome position (GRCh38, 1-based): chr4:10,077,766, G>A on the plus strand (C>T on the coding strand, the complement: WDR1 is on the minus strand). VCF-style: chr4-10077766-G-A. GRCh37 (hg19) VCF-style: chr4-10079390-G-A.
Other names: c.1136C>T, p.Ala379Val (NM_005112.5); short protein forms A379V, A519V.
Identifiers: ClinVar variation 1358299 (VCV001358299.4), dbSNP rs764965596, ClinGen allele CA2857533.